The following is an entry in ClinVar:

NM_130837.3(OPA1):c.1347G>A (p.Met449Ile)

Gene: OPA1 (OPA1 mitochondrial dynamin like GTPase; plus strand). Cytogenetic location: 3q29.
Variant type: single nucleotide variant.
Coding change: c.1347G>A on transcript NM_130837.3 (MANE Select); coding-DNA position 1347, G replaced by A.
Protein change: p.Met449Ile; replaces methionine 449 with isoleucine.
Molecular consequence: missense variant.
Genome position (GRCh38, 1-based): chr3:193,643,414, G>A. VCF-style: chr3-193643414-G-A. GRCh37 (hg19) VCF-style: chr3-193361203-G-A.
Other names: c.813G>A, p.Met271Ile (NM_001354663.2); c.810G>A, p.Met270Ile (NM_001354664.2); c.1182G>A, p.Met394Ile (NM_015560.3); c.1074G>A, p.Met358Ile (NM_130831.3); c.1128G>A, p.Met376Ile (NM_130832.3); c.1185G>A, p.Met395Ile (NM_130833.3); c.1236G>A, p.Met412Ile (NM_130834.3); c.1239G>A, p.Met413Ile (NM_130835.3); and 1 more; short protein forms M270I, M271I, M358I, M376I, M394I, M395I, M412I, M413I.
Identifiers: ClinVar variation 1316911 (VCV001316911.11), dbSNP rs377726977, ClinGen allele CA90532230.

ClinVar aggregate classification (germline): Uncertain significance. Review status: criteria provided, multiple submitters, no conflicts (2 of 4 stars). 3 submissions from 3 submitters: Uncertain significance (3). Last evaluated 2025-11-25.

Allele frequency attached by ClinVar (database versions not stated): gnomAD exomes below 0.00001; gnomAD 0.00001; TOPMed 0.00002; ESP Exome Variant Server 0.00008.
gnomAD v4.1: 5 of 1,611,932 alleles (0.00031%); highest among the groups gnomAD compares: African/African-American, 0.0053%; no homozygotes.

Submissions (3):

GeneDx
Classification: Uncertain significance. Last evaluated: 2025-11-25. Review status: criteria provided, single submitter. Criteria: GeneDx Variant Classification Process June 2021. Collection method: clinical testing. Allele origin: germline. Affected: yes.
Comment: Not observed at significant frequency in large population cohorts (gnomAD); In silico analysis supports that this missense variant has a deleterious effect on protein structure/function; Has not been previously published as pathogenic or benign to our knowledge; In silico analysis is inconclusive as to whether the variant alters gene splicing. In the absence of RNA/functional studies, the actual effect of this sequence change is unknown.

Labcorp Genetics (formerly Invitae), Labcorp
Classification: Uncertain significance. Last evaluated: 2023-09-22. Review status: criteria provided, single submitter. Criteria: Invitae Variant Classification Sherloc (09022015). Collection method: clinical testing. Allele origin: germline.
Comment: This variant is present in population databases (rs377726977, gnomAD 0.007%). This sequence change replaces methionine, which is neutral and non-polar, with isoleucine, which is neutral and non-polar, at codon 394 of the OPA1 protein (p.Met394Ile). This variant has not been reported in the literature in individuals affected with OPA1-related conditions. In summary, the available evidence is currently insufficient to determine the role of this variant in disease. Therefore, it has been classified as a Variant of Uncertain Significance. Algorithms developed to predict the effect of sequence changes on RNA splicing suggest that this variant may disrupt the consensus splice site. Advanced modeling of protein sequence and biophysical properties (such as structural, functional, and spatial information, amino acid conservation, physicochemical variation, residue mobility, and thermodynamic stability) performed at Invitae indicates that this missense variant is not expected to disrupt OPA1 protein function. ClinVar contains an entry for this variant (Variation ID: 1316911).

Blueprint Genetics
Classification: Uncertain significance. Last evaluated: 2022-06-29. Review status: criteria provided, single submitter. Criteria: ACMG Guidelines, 2015. Collection method: clinical testing. Allele origin: germline.